The following is an entry in ClinVar:

ClinVar aggregate classification (germline): Likely benign (1 of 4 stars; one submission).

Conditions:
ABCC12-related condition.

Submission:

PreventionGenetics, part of Exact Sciences
Classification: Likely benign for ABCC12-related condition. Last evaluated: 2026-01-27. Review status: criteria provided, single submitter. Criteria: ACMG Guidelines, 2015. Collection method: clinical testing. Allele origin: germline.
Comment: This variant is classified as likely benign based on ACMG/AMP sequence variant interpretation guidelines (Richards et al. 2015 PMID: 25741868, with internal and published modifications).

NM_001393797.1(ABCC12):c.2379C>A (p.Leu793=)

Gene: ABCC12 (ATP binding cassette subfamily C member 12; minus strand). Cytogenetic location: 16q12.1.
Variant type: single nucleotide variant.
Coding change: c.2379C>A on transcript NM_001393797.1 (MANE Select); coding-DNA position 2379, C replaced by A.
Protein change: p.Leu793=; no amino-acid change (leucine 793 retained).
Molecular consequence: synonymous variant. On other transcripts: non-coding transcript variant (6).
Genome position (GRCh38, 1-based): chr16:48,107,418, G>T on the plus strand (C>A on the coding strand, the complement: ABCC12 is on the minus strand). VCF-style: chr16-48107418-G-T. GRCh37 (hg19) VCF-style: chr16-48141329-G-T.
Other names: c.2379C>A, p.Leu793= (NM_033226.3).
Identifiers: ClinVar variation 4995026 (VCV004995026.1).